The following is an entry in ClinVar:

NM_000918.4(P4HB):c.1444G>T (p.Asp482Tyr)

Gene: P4HB (prolyl 4-hydroxylase subunit beta; minus strand). Cytogenetic location: 17q25.3.
Variant type: single nucleotide variant.
Coding change: c.1444G>T on transcript NM_000918.4 (MANE Select); coding-DNA position 1444, G replaced by T.
Protein change: p.Asp482Tyr; replaces aspartic acid 482 with tyrosine.
Molecular consequence: missense variant.
Genome position (GRCh38, 1-based): chr17:81,845,146, C>A on the plus strand (G>T on the coding strand, the complement: P4HB is on the minus strand). VCF-style: chr17-81845146-C-A. GRCh37 (hg19) VCF-style: chr17-79803022-C-A.
Other names: short protein forms D482Y.
Identifiers: ClinVar variation 1509318 (VCV001509318.6), dbSNP rs2143313538, ClinGen allele CA401504944.

ClinVar aggregate classification (germline): Uncertain significance (1 of 4 stars; one submission).

Submission:

Labcorp Genetics (formerly Invitae), Labcorp
Classification: Uncertain significance. Last evaluated: 2022-10-13. Review status: criteria provided, single submitter. Criteria: Invitae Variant Classification Sherloc (09022015). Collection method: clinical testing. Allele origin: germline.
Comment: This sequence change replaces aspartic acid, which is acidic and polar, with tyrosine, which is neutral and polar, at codon 482 of the P4HB protein (p.Asp482Tyr). This variant is not present in population databases (gnomAD no frequency). In summary, the available evidence is currently insufficient to determine the role of this variant in disease. Therefore, it has been classified as a Variant of Uncertain Significance. Algorithms developed to predict the effect of missense changes on protein structure and function are either unavailable or do not agree on the potential impact of this missense change (SIFT: "Tolerated"; PolyPhen-2: "Probably Damaging"; Align-GVGD: "Class C0"). ClinVar contains an entry for this variant (Variation ID: 1509318). This variant has not been reported in the literature in individuals affected with P4HB-related conditions.